The following is an entry in ClinVar:

ClinVar aggregate classification (germline): Benign (1 of 4 stars; one submission).

Allele frequency attached by ClinVar (database versions not stated): gnomAD 0.01634 and 0.01741; TOPMed 0.01819; 1000 Genomes Project 0.01997; 1000 Genomes Project 30x 0.02077.
gnomAD v4.1: 2,462 of 152,280 alleles (1.6%); highest among the groups gnomAD compares: African/African-American, 5.6%; 56 homozygotes.

Submission:

GeneDx
Classification: Benign. Last evaluated: 2018-06-14. Review status: criteria provided, single submitter. Criteria: GeneDx Variant Classification (06012015). Collection method: clinical testing. Allele origin: germline. Affected: yes.
Comment: This variant is considered likely benign or benign based on one or more of the following criteria: it is a conservative change, it occurs at a poorly conserved position in the protein, it is predicted to be benign by multiple in silico algorithms, and/or has population frequency not consistent with disease.

NM_024678.6(NARS2):c.690-197C>T

Gene: NARS2 (asparaginyl-tRNA synthetase 2, mitochondrial; minus strand). Cytogenetic location: 11q14.1.
Variant type: single nucleotide variant.
Coding change: c.690-197C>T on transcript NM_024678.6 (MANE Select); 197 bases into the intron before coding-DNA position 690, C replaced by T.
Molecular consequence: intron variant.
Genome position (GRCh38, 1-based): chr11:78,493,392, G>A on the plus strand (C>T on the coding strand, the complement: NARS2 is on the minus strand). VCF-style: chr11-78493392-G-A. GRCh37 (hg19) VCF-style: chr11-78204438-G-A.
Other names: c.9-197C>T (NM_001243251.2).
Identifiers: ClinVar variation 672532 (VCV000672532.1), dbSNP rs114927486, ClinGen allele CA225103579.
Genomic context (GRCh38, chr11:78,493,392, plus strand): 5'-TACATATTTCTCTAATAGGTGATAATAACAGTTTCATTAAAAATGTTACATTGAGGCTGG[G>A]CACAGTGGCTCAGGTCTGTAATCCTAGCACTTCCTGGGAGGACTGCTTAAACTTAGGAGT-3'